The following is an entry in ClinVar:

ClinVar aggregate classification (germline): Uncertain significance (1 of 4 stars; one submission).

Conditions:
BBS10-related disorder. Also called: BBS10-related condition.

Submission:

PreventionGenetics, part of Exact Sciences
Classification: Uncertain significance for BBS10-related condition. Last evaluated: 2025-04-04. Review status: criteria provided, single submitter. Criteria: ACMG Guidelines, 2015. Collection method: clinical testing. Allele origin: germline.
Comment: The BBS10 c.772G>A variant is predicted to result in the amino acid substitution p.Val258Met. To our knowledge, this variant has not been reported in the literature or in a large population database, indicating this variant is rare. At this time, the clinical significance of this variant is uncertain due to the absence of conclusive functional and genetic evidence.

NM_024685.4(BBS10):c.772G>A (p.Val258Met)

Gene: BBS10 (Bardet-Biedl syndrome 10; minus strand). Cytogenetic location: 12q21.2.
Variant type: single nucleotide variant.
Coding change: c.772G>A on transcript NM_024685.4 (MANE Select); coding-DNA position 772, G replaced by A.
Protein change: p.Val258Met; replaces valine 258 with methionine.
Molecular consequence: missense variant.
Genome position (GRCh38, 1-based): chr12:76,347,213, C>T on the plus strand (G>A on the coding strand, the complement: BBS10 is on the minus strand). VCF-style: chr12-76347213-C-T. GRCh37 (hg19) VCF-style: chr12-76740993-C-T.
Other names: short protein forms V258M.
Identifiers: ClinVar variation 4986999 (VCV004986999.1).